The following is an entry in ClinVar:

NM_000059.4(BRCA2):c.2450del (p.Lys817fs)

Gene: BRCA2 (BRCA2 DNA repair associated; plus strand). Cytogenetic location: 13q13.1.
Variant type: Deletion.
Coding change: c.2450del on transcript NM_000059.4 (MANE Select); coding-DNA position 2450, one base deleted (A; older notation c.2450delA).
Protein change: p.Lys817fs; shifts the reading frame from lysine 817.
Molecular consequence: frameshift variant.
Genome position (GRCh38, 1-based): chr13:32,336,805, A deleted; the last of 4 consecutive A bases (chr13:32,336,802-32,336,805); deleting any one gives the same sequence. VCF-style (leftmost placement, unchanged base first): chr13-32336801-GA-G. GRCh37 (hg19) VCF-style: chr13-32910938-GA-G.
Other names: 2678delA; c.2450delA (NM_000059.3).
Identifiers: ClinVar variation 51289 (VCV000051289.10), dbSNP rs80359331, ClinGen allele CA015333.

ClinVar aggregate classification (germline): Pathogenic. Review status: reviewed by expert panel (3 of 4 stars). 7 submissions from 7 submitters: Pathogenic (1). 6 of the submissions do not count toward it. Last evaluated 2016-09-08.

Conditions:
Breast-ovarian cancer, familial, susceptibility to, 2 (BROVCA2). Also called: BRCA2 Hereditary Breast and Ovarian Cancer. Identifiers: Orphanet 145, MedGen C2675520, MONDO:0012933, OMIM 612555. Disease mechanism: loss of function.

Submissions (7):

Evidence-based Network for the Interpretation of Germline Mutant Alleles (ENIGMA)
Classification: Pathogenic for Breast-ovarian cancer, familial, susceptibility to, 2. Last evaluated: 2016-09-08. Review status: reviewed by expert panel. Criteria: ENIGMA BRCA1/2 Classification Criteria (2015). Collection method: curation. Allele origin: germline.
Comment: Variant allele predicted to encode a truncated non-functional protein.

Center for Genomic Medicine, Rigshospitalet, Copenhagen University Hospital
Classification: Pathogenic. Last evaluated: 2025-03-04. Review status: criteria provided, single submitter. Criteria: ACMG Guidelines, 2015. Collection method: clinical testing. Allele origin: germline. Not counted in ClinVar's aggregate classification.

Department of Clinical Genetics, Copenhagen University Hospital, Rigshospitalet
Classification: Pathogenic for Breast-ovarian cancer, familial, susceptibility to, 2. Last evaluated: 2024-05-27. Review status: criteria provided, single submitter. Criteria: ACMG Guidelines, 2015. Collection method: clinical testing. Allele origin: germline. Affected: yes. Not counted in ClinVar's aggregate classification.
Comment: PVS1; PM2_supporting; PM5_PTC_Strong

Molecular Pathology, Peter Maccallum Cancer Centre
Classification: Pathogenic for Breast-ovarian cancer, familial, susceptibility to, 2. Last evaluated: 2024-01-03. Review status: criteria provided, single submitter. Criteria: ACMG Guidelines, 2015. Collection method: clinical testing. Allele origin: germline. Inheritance: Autosomal dominant inheritance. Not counted in ClinVar's aggregate classification.

Consortium of Investigators of Modifiers of BRCA1/2 (CIMBA), c/o University of Cambridge
Classification: Pathogenic for Breast-ovarian cancer, familial, susceptibility to, 2. Last evaluated: 2015-10-02. Review status: criteria provided, single submitter. Criteria: CIMBA Mutation Classification guidelines May 2016. Collection method: clinical testing. Allele origin: germline. Not counted in ClinVar's aggregate classification.

BRCAlab, Lund University
Classification: Pathogenic for Breast-ovarian cancer, familial, susceptibility to, 2. Last evaluated: 2020-03-02. Review status: no assertion criteria provided. Collection method: clinical testing. Allele origin: germline. Affected: yes. Not counted in ClinVar's aggregate classification.

Breast Cancer Information Core (BIC) (BRCA2)
Classification: Pathogenic for Breast-ovarian cancer, familial 2. Last evaluated: 1999-06-22. Review status: no assertion criteria provided. Collection method: clinical testing. Allele origin: germline. Affected: yes. Observed: 1 variant allele. Not counted in ClinVar's aggregate classification.